The following continues an entry in ClinVar:

NM_025114.4(CEP290):c.164_167del (p.Thr55fs)

Gene: CEP290. ClinVar aggregate classification (germline): Pathogenic. Pathogenic (1).

Submissions 11 to 17 of 17:

Baylor Genetics
Classification: Pathogenic for Bardet-Biedl syndrome 14. Last evaluated: 2024-03-26. Review status: criteria provided, single submitter. Criteria: ACMG Guidelines, 2015. Collection method: clinical testing. Allele origin: unknown. Not counted in ClinVar's aggregate classification.

Laboratory for Molecular Medicine, Mass General Brigham Personalized Medicine
Classification: Pathogenic for Leber congenital amaurosis. Last evaluated: 2024-03-20. Review status: criteria provided, single submitter. Criteria: ACMG Guidelines, 2015. Collection method: clinical testing. Allele origin: germline. Inheritance: Autosomal recessive inheritance. Not counted in ClinVar's aggregate classification.
Comment: The p.Thr55SerfsX3 variant in CEP290 has been reported in the compound heterozygous state in at least 7 individuals with CEP290-associated disorders (Bachmann-Gagescu 2015 PMID: 26092869, Schueler 2016 PMID: 26673778, Yohe 2020 PMID: 31816670, Sallum 2020 PMID: 32865313, Areblom 2023 PMID: 37510321, Li 2023 PMID: 36729443, Wang 2023 PMID: 36990420). It at least 5 individuals, this variant was reported with another disease-causing variant in CEP290, and the variants have been confirmed in trans in at least one individual. This variant segregated with disease in 1 affected relative from 1 family (Sallum 2020 PMID: 32865313). This variant has also been reported by other clinical laboratories in ClinVar (Variation ID 217624) and has been identified in 0.01% (1/5956) of Middle Eastern and 0.004% (3/74020) African chromosomes by gnomAD (v4.0.0). This is consistent with the prevalence of the disease in the general population. This variant is predicted to cause a frameshift, which alters the protein’s amino acid sequence beginning at position 55 and leads to a premature termination codon 3 amino acids downstream. This alteration is then predicted to lead to a truncated or absent protein. Biallelic loss of function of the CEP290 gene is an established disease mechanism in autosomal recessive CEP290-related ciliopathy. In summary, this variant meets criteria to be classified as pathogenic for autosomal recessive CEP290-related ciliopathy. ACMG/AMP Criteria applied: PVS1, PM3_Strong, PM2_Supporting, PP1.

Ambry Genetics
Classification: Pathogenic for Inborn genetic diseases. Last evaluated: 2022-07-05. Review status: criteria provided, single submitter. Criteria: Ambry Variant Classification Scheme 2023. Collection method: clinical testing. Allele origin: germline. Not counted in ClinVar's aggregate classification.
Comment: The c.164_167delCTCA (p.T55Sfs*3) alteration, located in exon 3 (coding exon 2) of the CEP290 gene, consists of a deletion of 4 nucleotides from position 164 to 167, causing a translational frameshift with a predicted alternate stop codon after 3 amino acids. This alteration is expected to result in loss of function by premature protein truncation or nonsense-mediated mRNA decay. This variant was not reported in population-based cohorts in the Genome Aggregation Database (gnomAD). This alteration has been detected in conjunction with other pathogenic CEP290 mutations in multiple individuals with CEP290-related ciliopathies, including Leber congenital amaurosis (Bachmann-Gagescu, 2015; Schueler, 2016; Yohe, 2020; Sallum, 2020). Based on the available evidence, this alteration is classified as pathogenic.

Genetics and Molecular Pathology, SA Pathology
Classification: Pathogenic for Bardet-Biedl syndrome 14. Last evaluated: 2022-03-30. Review status: criteria provided, single submitter. Criteria: ACMG Guidelines, 2015. Collection method: clinical testing. Allele origin: germline. Inheritance: Autosomal recessive inheritance. Affected: yes. Not counted in ClinVar's aggregate classification.
Comment: The CEP290 c.164_167del variant is classified as a PATHOGENIC variant (PVS1, PM2, PS4_supporting) The variant is a 4-base pair deletion in exon 3/54 of the CEP290 gene which results in a frameshift starting at codon Threonine 55, changes this amino acid to an Serine, and creating a premature STOP codon 3 amino acids downstream (denoted p.Thr55Serfs*3) (PVS1). The variant has been reported in dbSNP (rs758550675) but is rare in the disease databases (gnomAD: 3/152112, 0 homozygote) (PM2). The variant has been reported in both ClinVar (ID: #217624) and HGMD (accession: CD075347) as a disease causing variant (PS4_supporting).

Fulgent Genetics
Classification: Pathogenic for Joubert syndrome 5; Senior-Loken syndrome 6; Meckel syndrome, type 4; Leber congenital amaurosis 10; Bardet-Biedl syndrome 14. Last evaluated: 2021-10-16. Review status: criteria provided, single submitter. Criteria: ACMG Guidelines, 2015. Collection method: clinical testing. Allele origin: unknown. Not counted in ClinVar's aggregate classification.

Genome-Nilou Lab
Classification: Pathogenic for Joubert syndrome 5. Last evaluated: 2021-07-22. Review status: criteria provided, single submitter. Criteria: ACMG Guidelines, 2015. Collection method: clinical testing. Allele origin: germline. Affected: no. Not counted in ClinVar's aggregate classification.

UW Hindbrain Malformation Research Program, University of Washington
Classification: Pathogenic for Joubert syndrome 5. Last evaluated: 2015-02-23. Review status: criteria provided, single submitter. Criteria: Bachmann-Gagescu et al. (J Med Genet. 2015). Collection method: research. Allele origin: unknown. Affected: yes. Not counted in ClinVar's aggregate classification.

Literature cited by the submitters: PubMed 26092869 (cited by 5 submitters); PubMed 31816670 (cited by 4 submitters); PubMed 32865313 (cited by 4 submitters); PubMed 37510321 (cited by Otogenetics and Laboratory for Molecular Medicine, Mass General Brigham Personalized Medicine); PubMed 16909394 (cited by Labcorp Genetics (formerly Invitae), Labcorp); PubMed 17345604 (cited by Labcorp Genetics (formerly Invitae), Labcorp); PubMed 20690115 (cited by Labcorp Genetics (formerly Invitae), Labcorp); PubMed 17617513 (cited by Labcorp Genetics (formerly Invitae), Labcorp); PubMed 36729443 (cited by Laboratory for Molecular Medicine, Mass General Brigham Personalized Medicine); PubMed 36990420 (cited by Laboratory for Molecular Medicine, Mass General Brigham Personalized Medicine); PubMed 26673778 (cited by Laboratory for Molecular Medicine, Mass General Brigham Personalized Medicine and Ambry Genetics).